The following is an entry in ClinVar:

ClinVar aggregate classification (germline): Uncertain significance. Review status: criteria provided, multiple submitters, no conflicts (2 of 4 stars). 3 submissions from 3 submitters: Uncertain significance (3). Last evaluated 2025-06-04.

Conditions:
Saldino-Mainzer syndrome (SRTD9). Also called: CONORENAL SYNDROME; SHORT-RIB THORACIC DYSPLASIA 9 WITHOUT POLYDACTYLY; short-rib thoracic dysplasia 9 with or without polydactyly; Renal dysplasia, retinal pigmentary dystrophy, cerebellar ataxia and skeletal dysplasia. Identifiers: Orphanet 140969, MedGen C1849437, MONDO:0009964, OMIM 266920.
Retinitis pigmentosa 80 (RP80). Identifiers: MedGen C4540439, MONDO:0054708, OMIM 617781.
Inborn genetic diseases. Identifiers: MedGen C0950123, MeSH D030342.

Allele frequency attached by ClinVar (database versions not stated): 1000 Genomes Project 30x 0.00016.

Submissions (3):

Ambry Genetics
Classification: Uncertain significance for Inborn genetic diseases. Last evaluated: 2025-06-04. Review status: criteria provided, single submitter. Criteria: Ambry Variant Classification Scheme 2023. Collection method: clinical testing. Allele origin: germline.

Labcorp Genetics (formerly Invitae), Labcorp
Classification: Uncertain significance for Saldino-Mainzer syndrome. Last evaluated: 2022-07-04. Review status: criteria provided, single submitter. Criteria: Invitae Variant Classification Sherloc (09022015). Collection method: clinical testing. Allele origin: germline.
Comment: This sequence change replaces methionine, which is neutral and non-polar, with valine, which is neutral and non-polar, at codon 1200 of the IFT140 protein (p.Met1200Val). This variant is present in population databases (rs566568065, gnomAD 0.007%). This variant has not been reported in the literature in individuals affected with IFT140-related conditions. ClinVar contains an entry for this variant (Variation ID: 962774). Algorithms developed to predict the effect of missense changes on protein structure and function (SIFT, PolyPhen-2, Align-GVGD) all suggest that this variant is likely to be tolerated. In summary, the available evidence is currently insufficient to determine the role of this variant in disease. Therefore, it has been classified as a Variant of Uncertain Significance.

Fulgent Genetics
Classification: Uncertain significance for Saldino-Mainzer syndrome; Retinitis pigmentosa 80. Last evaluated: 2022-04-29. Review status: criteria provided, single submitter. Criteria: ACMG Guidelines, 2015. Collection method: clinical testing. Allele origin: unknown.

NM_014714.4(IFT140):c.3598A>G (p.Met1200Val)

Gene: IFT140 (intraflagellar transport 140; minus strand). Cytogenetic location: 16p13.3.
Variant type: single nucleotide variant.
Coding change: c.3598A>G on transcript NM_014714.4 (MANE Select); coding-DNA position 3598, A replaced by G.
Protein change: p.Met1200Val; replaces methionine 1200 with valine.
Molecular consequence: missense variant.
Genome position (GRCh38, 1-based): chr16:1,520,664, T>C on the plus strand (A>G on the coding strand, the complement: IFT140 is on the minus strand). VCF-style: chr16-1520664-T-C. GRCh37 (hg19) VCF-style: chr16-1570665-T-C.
Other names: short protein forms M1200V.
Identifiers: ClinVar variation 962774 (VCV000962774.9), dbSNP rs566568065, ClinGen allele CA7813102.